The following is an entry in ClinVar:

ClinVar aggregate classification (germline): Likely benign (1 of 4 stars; one submission).

Allele frequency attached by ClinVar (database versions not stated): gnomAD exomes 0.00055; gnomAD 0.00622 and 0.00665; TOPMed 0.00657; 1000 Genomes Project 30x 0.00671; 1000 Genomes Project 0.00659.
gnomAD v4.1: 1,726 of 1,562,754 alleles (0.11%); highest among the groups gnomAD compares: African/African-American, 2.2%; 19 homozygotes.

Submission:

GeneDx
Classification: Likely benign. Last evaluated: 2018-06-16. Review status: criteria provided, single submitter. Criteria: GeneDx Variant Classification (06012015). Collection method: clinical testing. Allele origin: germline. Affected: yes.
Comment: This variant is considered likely benign or benign based on one or more of the following criteria: it is a conservative change, it occurs at a poorly conserved position in the protein, it is predicted to be benign by multiple in silico algorithms, and/or has population frequency not consistent with disease.

NM_001376.5(DYNC1H1):c.7474-88C>T

Gene: DYNC1H1 (dynein cytoplasmic 1 heavy chain 1; plus strand). Cytogenetic location: 14q32.31.
Variant type: single nucleotide variant.
Coding change: c.7474-88C>T on transcript NM_001376.5 (MANE Select); 88 bases into the intron before coding-DNA position 7474, C replaced by T.
Molecular consequence: intron variant.
Genome position (GRCh38, 1-based): chr14:102,016,261, C>T. VCF-style: chr14-102016261-C-T. GRCh37 (hg19) VCF-style: chr14-102482598-C-T.
Identifiers: ClinVar variation 678751 (VCV000678751.1), dbSNP rs75049615, ClinGen allele CA266952447.